The following is an entry in ClinVar:

NM_006059.4(LAMC3):c.1919G>C (p.Ser640Thr)

Gene: LAMC3 (laminin subunit gamma 3; plus strand). Cytogenetic location: 9q34.12.
Variant type: single nucleotide variant.
Coding change: c.1919G>C on transcript NM_006059.4 (MANE Select); coding-DNA position 1919, G replaced by C.
Protein change: p.Ser640Thr; replaces serine 640 with threonine.
Molecular consequence: missense variant.
Genome position (GRCh38, 1-based): chr9:131,052,945, G>C. VCF-style: chr9-131052945-G-C. GRCh37 (hg19) VCF-style: chr9-133928332-G-C.
Other names: short protein forms S640T.
Identifiers: ClinVar variation 1377912 (VCV001377912.6), dbSNP rs773662739, ClinGen allele CA375264545.
Genomic context (GRCh38, chr9:131,052,945, plus strand): 5'-TGCCCCCCTTCCACTTCCAGCGGCTCCTCGCCAACCTGACCAGCCTCCGCCTCCGCGTCA[G>C]TCCCGGCCCCAGCCCTGCCGGTCAGTAAAGACAACCACATGCCCAAGACCCGAGTGCTTG-3'
Protein context (NP_006050.3, residues 630-650): ANLTSLRLRV[Ser640Thr]PGPSPAGPVF

ClinVar aggregate classification (germline): Uncertain significance (1 of 4 stars; one submission).

Submission:

Labcorp Genetics (formerly Invitae), Labcorp
Classification: Uncertain significance. Last evaluated: 2021-08-27. Review status: criteria provided, single submitter. Criteria: Invitae Variant Classification Sherloc (09022015). Collection method: clinical testing. Allele origin: germline.
Comment: This sequence change replaces serine with threonine at codon 640 of the LAMC3 protein (p.Ser640Thr). The serine residue is moderately conserved and there is a small physicochemical difference between serine and threonine. This variant is not present in population databases (ExAC no frequency). This variant has not been reported in the literature in individuals affected with LAMC3-related conditions. Algorithms developed to predict the effect of missense changes on protein structure and function (SIFT, PolyPhen-2, Align-GVGD) all suggest that this variant is likely to be tolerated. In summary, the available evidence is currently insufficient to determine the role of this variant in disease. Therefore, it has been classified as a Variant of Uncertain Significance.